The following is an entry in ClinVar:

NM_001089.3(ABCA3):c.2509C>T (p.Leu837Phe)

Gene: ABCA3 (ATP binding cassette subfamily A member 3; minus strand). Cytogenetic location: 16p13.3.
Variant type: single nucleotide variant.
Coding change: c.2509C>T on transcript NM_001089.3 (MANE Select); coding-DNA position 2509, C replaced by T.
Protein change: p.Leu837Phe; replaces leucine 837 with phenylalanine.
Molecular consequence: missense variant.
Genome position (GRCh38, 1-based): chr16:2,292,144, G>A on the plus strand (C>T on the coding strand, the complement: ABCA3 is on the minus strand). VCF-style: chr16-2292144-G-A. GRCh37 (hg19) VCF-style: chr16-2342145-G-A.
Other names: c.2509C>T (NM_001089.2); short protein forms L837F.
Identifiers: ClinVar variation 2159988 (VCV002159988.2), dbSNP rs1384419997, ClinGen allele CA394327248.
Genomic context (GRCh38, chr16:2,292,144, plus strand): 5'-AGTCCTCTGCAGCACGGAGCCCAGTCCTAGGTGGACGGAAATGCGCATTTACTGACCGAA[G>A]GAAGACTTCCTCCATGGTGGTGATGGATGCCCCAAAGCTGGCAATGCCCAGCTCTTTCTG-3'
Protein context (NP_001080.2, residues 827-847): ASITTMEEVF[Leu837Phe]RVGKLVDSSM

ClinVar aggregate classification (germline): Uncertain significance. Review status: criteria provided, multiple submitters, no conflicts (2 of 4 stars). 2 submissions from 2 submitters: Uncertain significance (2). Last evaluated 2025-05-17.

Conditions:
Hereditary pulmonary alveolar proteinosis. Also called: Pulmonary surfactant metabolism dysfunction. Identifiers: Orphanet 264675, MedGen C3711368, MONDO:0012580.

Allele frequency attached by ClinVar (database versions not stated): gnomAD 0.00001; gnomAD exomes 0.00001; TOPMed 0.00001.
gnomAD v4.1: 9 of 1,612,800 alleles (0.00056%); highest among the groups gnomAD compares: Non-Finnish European, 0.00076%; no homozygotes.

Submissions (2):

Ambry Genetics
Classification: Uncertain significance for Hereditary pulmonary alveolar proteinosis. Last evaluated: 2025-05-17. Review status: criteria provided, single submitter. Criteria: Ambry Variant Classification Scheme 2023. Collection method: clinical testing. Allele origin: germline.

Labcorp Genetics (formerly Invitae), Labcorp
Classification: Uncertain significance. Last evaluated: 2022-02-11. Review status: criteria provided, single submitter. Criteria: Invitae Variant Classification Sherloc (09022015). Collection method: clinical testing. Allele origin: germline.
Comment: This sequence change replaces leucine, which is neutral and non-polar, with phenylalanine, which is neutral and non-polar, at codon 837 of the ABCA3 protein (p.Leu837Phe). This variant is present in population databases (no rsID available, gnomAD 0.0009%). This variant has not been reported in the literature in individuals affected with ABCA3-related conditions. Algorithms developed to predict the effect of missense changes on protein structure and function are either unavailable or do not agree on the potential impact of this missense change (SIFT: "Deleterious"; PolyPhen-2: "Benign"; Align-GVGD: "Class C0"). In summary, the available evidence is currently insufficient to determine the role of this variant in disease. Therefore, it has been classified as a Variant of Uncertain Significance.